The following is an entry in ClinVar:

NM_001035.3(RYR2):c.9303dup (p.Leu3102fs)

Gene: RYR2 (ryanodine receptor 2; plus strand). Cytogenetic location: 1q43.
Variant type: Duplication.
Coding change: c.9303dup on transcript NM_001035.3 (MANE Select); coding-DNA position 9303, one base duplicated (G; older notation c.9303dupG).
Protein change: p.Leu3102fs; shifts the reading frame from leucine 3102.
Molecular consequence: frameshift variant.
Genome position (GRCh38, 1-based): chr1:237,700,403, G duplicated. VCF-style (leftmost placement, unchanged base first): chr1-237700402-T-TG. GRCh37 (hg19) VCF-style: chr1-237863702-T-TG.
Other names: short protein forms L3102fs.
Identifiers: ClinVar variation 2760669 (VCV002760669.3), dbSNP rs2547365646, ClinGen allele CA2697547743.
Genomic context (GRCh38, chr1:237,700,402, plus strand): 5'-CTCACACCCGAAACCAGCCCAAAGGGGTTACTCAGATTATCAATTACACCACAGTGGCCC[T>TG]GCTGCCAATGCTGTCTTCATTATTTGAACATATTGGCCAGCATCAGTTCGGAGAAGACCT-3'

ClinVar aggregate classification (germline): Uncertain significance (1 of 4 stars; one submission).

Conditions:
Catecholaminergic polymorphic ventricular tachycardia 1. Also called: VENTRICULAR TACHYCARDIA, STRESS-INDUCED POLYMORPHIC 1; VENTRICULAR TACHYCARDIA, CATECHOLAMINERGIC POLYMORPHIC, 1, WITH OR WITHOUT ATRIAL DYSFUNCTION AND/OR DILATED CARDIOMYOPATHY; RYR2-Related Catecholaminergic Polymorphic Ventricular Tachycardia. Identifiers: Orphanet 3286, MedGen C1631597, MONDO:0011484, OMIM 604772.

Submission:

Labcorp Genetics (formerly Invitae), Labcorp
Classification: Uncertain significance for Catecholaminergic polymorphic ventricular tachycardia 1. Last evaluated: 2023-09-14. Review status: criteria provided, single submitter. Criteria: Invitae Variant Classification Sherloc (09022015). Collection method: clinical testing. Allele origin: germline.
Comment: In summary, the available evidence is currently insufficient to determine the role of this variant in disease. Therefore, it has been classified as a Variant of Uncertain Significance. This variant has not been reported in the literature in individuals affected with RYR2-related conditions. This variant is not present in population databases (gnomAD no frequency). This sequence change creates a premature translational stop signal (p.Leu3102Alafs*9) in the RYR2 gene. It is expected to result in an absent or disrupted protein product. However, the current clinical and genetic evidence is not sufficient to establish whether loss-of-function variants in RYR2 cause disease.